The following is an entry in ClinVar:

ClinVar aggregate classification (germline): Uncertain significance (1 of 4 stars; one submission).

Allele frequency attached by ClinVar (database versions not stated): TOPMed below 0.00001; gnomAD 0.00001; gnomAD exomes 0.00001.
gnomAD v4.1: 10 of 1,584,252 alleles (0.00063%); highest among the groups gnomAD compares: Non-Finnish European, 0.00086%; no homozygotes.

Submission:

Labcorp Genetics (formerly Invitae), Labcorp
Classification: Uncertain significance. Last evaluated: 2023-12-11. Review status: criteria provided, single submitter. Criteria: Invitae Variant Classification Sherloc (09022015). Collection method: clinical testing. Allele origin: germline.
Comment: This sequence change replaces phenylalanine, which is neutral and non-polar, with serine, which is neutral and polar, at codon 4137 of the FAT4 protein (p.Phe4137Ser). This variant is not present in population databases (gnomAD no frequency). This variant has not been reported in the literature in individuals affected with FAT4-related conditions. Advanced modeling of protein sequence and biophysical properties (such as structural, functional, and spatial information, amino acid conservation, physicochemical variation, residue mobility, and thermodynamic stability) performed at Invitae indicates that this missense variant is not expected to disrupt FAT4 protein function with a negative predictive value of 95%. In summary, the available evidence is currently insufficient to determine the role of this variant in disease. Therefore, it has been classified as a Variant of Uncertain Significance.

NM_001291303.3(FAT4):c.12416T>C (p.Phe4139Ser)

Gene: FAT4 (FAT atypical cadherin 4; plus strand). Cytogenetic location: 4q28.1.
Variant type: single nucleotide variant.
Coding change: c.12416T>C on transcript NM_001291303.3 (MANE Select); coding-DNA position 12416, T replaced by C.
Protein change: p.Phe4139Ser; replaces phenylalanine 4139 with serine.
Molecular consequence: missense variant.
Genome position (GRCh38, 1-based): chr4:125,477,271, T>C. VCF-style: chr4-125477271-T-C. GRCh37 (hg19) VCF-style: chr4-126398426-T-C.
Other names: c.12416T>C, p.Phe4139Ser (NM_001291285.3); c.12410T>C, p.Phe4137Ser (NM_024582.6); short protein forms F4139S, F4137S.
Identifiers: ClinVar variation 3006087 (VCV003006087.2), dbSNP rs1727061143, ClinGen allele CA358131115.
Genomic context (GRCh38, chr4:125,477,271, plus strand): 5'-CAATCCTTCAGAGAAGAGGACACGTGGAAAGCCATGATTTTGTTGGGTGTATAATGGAGT[T>C]TGCAGTCAATGGAAGGCCTCTGGAACCCAGCCAAGCTTTGGCAGCACAAGGCATCCTAGA-3'
Protein context (NP_001278232.1, residues 4129-4149): SHDFVGCIME[Phe4139Ser]AVNGRPLEPS